The following is an entry in ClinVar:

ClinVar aggregate classification (germline): Uncertain significance. Review status: criteria provided, multiple submitters, no conflicts (2 of 4 stars). 2 submissions from 2 submitters: Uncertain significance (2). Last evaluated 2023-04-03.

Conditions:
Type 2 diabetes mellitus. Also called: Type II diabetes mellitus. Identifiers: MedGen C0011860, MeSH D003924, MONDO:0005148, OMIM 125853, HP:0005978.
Hypoinsulinemic hypoglycemia and body hemihypertrophy. Also called: Hypoinsulinemic hypoglycemia and hemihypertrophy. Identifiers: Orphanet 293964, MedGen C3278384, MONDO:0009416, OMIM 240900.

Allele frequency attached by ClinVar (database versions not stated): gnomAD exomes below 0.00001.
gnomAD v4.1: 2 of 1,613,074 alleles (0.00012%); highest among the groups gnomAD compares: Non-Finnish European, 0.00017%; no homozygotes.

Submissions (2):

Labcorp Genetics (formerly Invitae), Labcorp
Classification: Uncertain significance for Hypoinsulinemic hypoglycemia and body hemihypertrophy; Type 2 diabetes mellitus. Last evaluated: 2023-04-03. Review status: criteria provided, single submitter. Criteria: Invitae Variant Classification Sherloc (09022015). Collection method: clinical testing. Allele origin: germline.
Comment: This sequence change replaces arginine, which is basic and polar, with histidine, which is basic and polar, at codon 15 of the AKT2 protein (p.Arg15His). ClinVar contains an entry for this variant (Variation ID: 1033436). This variant has not been reported in the literature in individuals affected with AKT2-related conditions. This variant is not present in population databases (gnomAD no frequency). An algorithm developed to predict the effect of missense changes on protein structure and function (PolyPhen-2) suggests that this variant is likely to be disruptive. In summary, the available evidence is currently insufficient to determine the role of this variant in disease. Therefore, it has been classified as a Variant of Uncertain Significance.

Baylor Genetics
Classification: Uncertain significance for Type 2 diabetes mellitus. Last evaluated: 2018-07-30. Review status: criteria provided, single submitter. Criteria: ACMG Guidelines, 2015. Collection method: clinical testing. Allele origin: maternal. Affected: yes.
Comment: This variant was determined to be of uncertain significance according to ACMG Guidelines, 2015 [PMID:25741868].

NM_001626.6(AKT2):c.44G>A (p.Arg15His)

Gene: AKT2 (AKT serine/threonine kinase 2; minus strand). Cytogenetic location: 19q13.2.
Variant type: single nucleotide variant.
Coding change: c.44G>A on transcript NM_001626.6 (MANE Select); coding-DNA position 44, G replaced by A.
Protein change: p.Arg15His; replaces arginine 15 with histidine.
Molecular consequence: missense variant. On other transcripts: intron variant (2).
Genome position (GRCh38, 1-based): chr19:40,265,224, C>T on the plus strand (G>A on the coding strand, the complement: AKT2 is on the minus strand). VCF-style: chr19-40265224-C-T. GRCh37 (hg19) VCF-style: chr19-40771131-C-T.
Other names: c.44G>A, p.Arg15His (NM_001330511.1); c.-140-8170G>A (NM_001243028.3); c.-141+35G>A (NM_001243027.3); short protein forms R15H.
Identifiers: ClinVar variation 1033436 (VCV001033436.4), dbSNP rs1976263420, ClinGen allele CA405874454.
Genomic context (GRCh38, chr19:40,265,224, plus strand): 5'-CTTTCCAGGAGGAGCCAGCGTGGGAGAAAGAATCTGGCGGGCAAAAGCGGCCTCTTACCA[C>T]GCTTGTGGAGCCAGCCTTCTTTGATGACAGACACCTCATTCATGGTGGCAGCGTGGTACG-3'
Protein context (NP_001617.1, residues 5-25): SVIKEGWLHK[Arg15His]GEYIKTWRPR